The following is an entry in ClinVar:

ClinVar aggregate classification (germline): Uncertain significance (1 of 4 stars; one submission).

Submission:

Labcorp Genetics (formerly Invitae), Labcorp
Classification: Uncertain significance. Last evaluated: 2021-10-21. Review status: criteria provided, single submitter. Criteria: Invitae Variant Classification Sherloc (09022015). Collection method: clinical testing. Allele origin: germline.
Comment: Algorithms developed to predict the effect of sequence changes on RNA splicing suggest that this variant may disrupt the consensus splice site. Algorithms developed to predict the effect of missense changes on protein structure and function output the following: SIFT: "Tolerated"; PolyPhen-2: "Benign"; Align-GVGD: "Class C0". The serine amino acid residue is found in multiple mammalian species, which suggests that this missense change does not adversely affect protein function. This variant has not been reported in the literature in individuals affected with PLOD3-related conditions. This variant is not present in population databases (ExAC no frequency). This sequence change replaces asparagine with serine at codon 335 of the PLOD3 protein (p.Asn335Ser). The asparagine residue is moderately conserved and there is a small physicochemical difference between asparagine and serine. In summary, the available evidence is currently insufficient to determine the role of this variant in disease. Therefore, it has been classified as a Variant of Uncertain Significance.

NM_001084.5(PLOD3):c.1004A>G (p.Asn335Ser)

Gene: PLOD3 (procollagen-lysine,2-oxoglutarate 5-dioxygenase 3; minus strand). Cytogenetic location: 7q22.1.
Variant type: single nucleotide variant.
Coding change: c.1004A>G on transcript NM_001084.5 (MANE Select); coding-DNA position 1004, A replaced by G.
Protein change: p.Asn335Ser; replaces asparagine 335 with serine.
Molecular consequence: missense variant.
Genome position (GRCh38, 1-based): chr7:101,212,531, T>C on the plus strand (A>G on the coding strand, the complement: PLOD3 is on the minus strand). VCF-style: chr7-101212531-T-C. GRCh37 (hg19) VCF-style: chr7-100855812-T-C.
Other names: short protein forms N335S.
Identifiers: ClinVar variation 1418656 (VCV001418656.6), dbSNP rs2116804647, ClinGen allele CA368619204.
Genomic context (GRCh38, chr7:101,212,531, plus strand): 5'-AGTTCTGATCAGGGCAGGGAAAGGGTCCCTCAGGAGAGGCTCCAACAGGGGAGTCTCACG[T>C]TGTTGTGCAGGAAAAGGGTGACCCTGTCGGGGGGATAGTCCAGGAGTAGCAGCCGCTGCA-3'
Protein context (NP_001075.1, residues 325-345): PDRVTLFLHN[Asn335Ser]EVFHEPHIAD